The following is an entry in ClinVar:

ClinVar aggregate classification (germline): Benign. Review status: criteria provided, multiple submitters, no conflicts (2 of 4 stars). 2 submissions from 2 submitters: Benign (2). Last evaluated 2018-01-12.

Conditions:
Fanconi anemia complementation group A (FANCA). Also called: Fanconi anemia, group A; FANCA-Related Fanconi Anemia. Identifiers: Orphanet 84, MedGen C3469521, MONDO:0009215, OMIM 227650.

Allele frequency attached by ClinVar (database versions not stated): gnomAD exomes 0.00160; gnomAD 0.01556 and 0.01670; 1000 Genomes Project 0.01617; TOPMed 0.01734; 1000 Genomes Project 30x 0.01796.
gnomAD v4.1: 3,451 of 816,526 alleles (0.42%); highest among the groups gnomAD compares: African/African-American, 5.5%; 85 homozygotes.

Submissions (2):

Illumina Laboratory Services, Illumina
Classification: Benign for Fanconi anemia complementation group A. Last evaluated: 2018-01-12. Review status: criteria provided, single submitter. Criteria: ICSL Variant Classification Criteria 13 December 2019. Collection method: clinical testing. Allele origin: germline.
Comment: This variant was observed in the ICSL laboratory as part of a predisposition screen in an ostensibly healthy population. It had not been previously curated by ICSL or reported in the Human Gene Mutation Database (HGMD: prior to June 1st, 2018), and was therefore a candidate for classification through an automated scoring system. Utilizing variant allele frequency, disease prevalence and penetrance estimates, and inheritance mode, an automated score was calculated to assess if this variant is too frequent to cause the disease. Based on the score and internal cut-off values, a variant classified as benign is not then subjected to further curation. The score for this variant resulted in a classification of benign for this disease.

Breakthrough Genomics
Classification: Benign. Review status: criteria provided, single submitter. Criteria: ACMG Guidelines, 2015. Collection method: not provided. Allele origin: germline. Inheritance: Autosomal recessive inheritance. Affected: yes.

NM_000135.4(FANCA):c.*1011C>T

Genes: FANCA (FA complementation group A; minus strand), ZNF276 (zinc finger protein 276; plus strand). Cytogenetic location: 16q24.3.
Variant type: single nucleotide variant.
Coding change: c.*1011C>T on transcript NM_000135.4 (MANE Select); 1011 bases downstream of the stop codon, C replaced by T.
Molecular consequence: 3 prime UTR variant. On other transcripts: intron variant (2).
Genome position (GRCh38, 1-based): chr16:89,737,590, G>A on the plus strand (C>T on the coding strand, the complement: FANCA is on the minus strand). VCF-style: chr16-89737590-G-A. GRCh37 (hg19) VCF-style: chr16-89803998-G-A.
Other names: c.*1108C>T (NM_001286167.3); c.1250-216G>A (NM_152287.4); c.1475-216G>A (NM_001113525.2).
Identifiers: ClinVar variation 321303 (VCV000321303.6), dbSNP rs17227452, ClinGen allele CA10644622.
Genomic context (GRCh38, chr16:89,737,590, plus strand): 5'-AAAAGACAAGAATCTGTGGTTAAGGAAATAGCTTTCTGAGGTTTCTTTAAAAACCATCCT[G>A]AAATGCACACAGCTGATGAAGCCACGTGACAGTGTATAAAGCAGTTTAAAGATCTTAATA-3'